The following is an entry in ClinVar:

ClinVar aggregate classification (germline): Uncertain significance. Review status: criteria provided, multiple submitters, no conflicts (2 of 4 stars). 2 submissions from 2 submitters: Uncertain significance (2). Last evaluated 2024-05-20.

Conditions:
Bardet-Biedl syndrome 14 (BBS14). Identifiers: Orphanet 110, MedGen C2673874, MONDO:0014442, OMIM 615991.
Nephronophthisis 11 (NPHP11). Identifiers: Orphanet 84081, MedGen C3150796, MONDO:0013302, OMIM 613550.
COACH syndrome 1. Identifiers: Orphanet 1454, MedGen C5435651, MONDO:0800103, OMIM 216360, MONDO:0008996.
Joubert syndrome 6 (JBTS6). Identifiers: Orphanet 475, MedGen C1853153, MONDO:0012539, OMIM 610688.
Meckel syndrome, type 3 (MKS3). Also called: MECKEL-GRUBER SYNDROME, TYPE 3. Identifiers: Orphanet 564, MedGen C1846357, MONDO:0011821, OMIM 607361.
RHYNS syndrome. Also called: RETINITIS PIGMENTOSA SYNDROME; RETINITIS PIGMENTOSA, HYPOPITUITARISM, NEPHRONOPHTHISIS, AND MILD SKELETAL DYSPLASIA. Identifiers: Orphanet 140976, MedGen C1865794, MONDO:0011202, OMIM 602152.
Joubert syndrome. Also called: CEREBELLOPARENCHYMAL DISORDER IV; JOUBERT-BOLTSHAUSER SYNDROME; Familial aplasia of the vermis. Identifiers: Orphanet 475, MedGen C5979921, MONDO:0018772.
Meckel-Gruber syndrome. Also called: DYSENCEPHALIA SPLANCHNOCYSTICA; GRUBER SYNDROME; Dysencephalia splachnocystica. Identifiers: Orphanet 564, MedGen C0265215, MONDO:0018921.

Allele frequency attached by ClinVar (database versions not stated): TOPMed 0.00001; ExAC 0.00001; gnomAD 0.00001.
gnomAD v4.1: 7 of 1,477,540 alleles (0.00047%); highest among the groups gnomAD compares: East Asian, 0.014%; no homozygotes.

Submissions (2):

Labcorp Genetics (formerly Invitae), Labcorp
Classification: Uncertain significance for Joubert syndrome; Meckel-Gruber syndrome. Last evaluated: 2024-05-20. Review status: criteria provided, single submitter. Criteria: Invitae Variant Classification Sherloc (09022015). Collection method: clinical testing. Allele origin: germline.
Comment: This sequence change replaces histidine, which is basic and polar, with arginine, which is basic and polar, at codon 887 of the TMEM67 protein (p.His887Arg). This variant is present in population databases (rs764555225, gnomAD 0.02%). This variant has not been reported in the literature in individuals affected with TMEM67-related conditions. ClinVar contains an entry for this variant (Variation ID: 2164111). An algorithm developed to predict the effect of missense changes on protein structure and function (PolyPhen-2) suggests that this variant is likely to be disruptive. In summary, the available evidence is currently insufficient to determine the role of this variant in disease. Therefore, it has been classified as a Variant of Uncertain Significance.

Fulgent Genetics
Classification: Uncertain significance for COACH syndrome 1; RHYNS syndrome; Meckel syndrome, type 3; Joubert syndrome 6; Nephronophthisis 11; Bardet-Biedl syndrome 14. Last evaluated: 2024-04-13. Review status: criteria provided, single submitter. Criteria: ACMG Guidelines, 2015. Collection method: clinical testing. Allele origin: germline.

NM_153704.6(TMEM67):c.2660A>G (p.His887Arg)

Gene: TMEM67 (transmembrane protein 67; plus strand). Cytogenetic location: 8q22.1.
Variant type: single nucleotide variant.
Coding change: c.2660A>G on transcript NM_153704.6 (MANE Select); coding-DNA position 2660, A replaced by G.
Protein change: p.His887Arg; replaces histidine 887 with arginine.
Molecular consequence: missense variant. On other transcripts: non-coding transcript variant (1).
Genome position (GRCh38, 1-based): chr8:93,809,160, A>G. VCF-style: chr8-93809160-A-G. GRCh37 (hg19) VCF-style: chr8-94821388-A-G.
Other names: c.2417A>G, p.His806Arg (NM_001142301.1); short protein forms H806R, H887R.
Identifiers: ClinVar variation 2164111 (VCV002164111.3), dbSNP rs764555225, ClinGen allele CA4808357.